The following is an entry in ClinVar:

ClinVar aggregate classification (germline): Uncertain significance (1 of 4 stars; one submission).

Allele frequency attached by ClinVar (database versions not stated): ExAC 0.00002; gnomAD 0.00002; gnomAD exomes 0.00002; TOPMed 0.00002.
gnomAD v4.1: 35 of 1,614,050 alleles (0.0022%); highest among the groups gnomAD compares: African/African-American, 0.0027%; no homozygotes.

Submission:

Labcorp Genetics (formerly Invitae), Labcorp
Classification: Uncertain significance. Last evaluated: 2023-08-04. Review status: criteria provided, single submitter. Criteria: Invitae Variant Classification Sherloc (09022015). Collection method: clinical testing. Allele origin: germline.
Comment: This variant has not been reported in the literature in individuals affected with CSGALNACT1-related conditions. Algorithms developed to predict the effect of missense changes on protein structure and function output the following: SIFT: "Not Available"; PolyPhen-2: "Benign"; Align-GVGD: "Not Available". The serine amino acid residue is found in multiple mammalian species, which suggests that this missense change does not adversely affect protein function. ClinVar contains an entry for this variant (Variation ID: 1491814). This variant is present in population databases (rs550326790, gnomAD 0.003%). This sequence change replaces asparagine, which is neutral and polar, with serine, which is neutral and polar, at codon 200 of the CSGALNACT1 protein (p.Asn200Ser). In summary, the available evidence is currently insufficient to determine the role of this variant in disease. Therefore, it has been classified as a Variant of Uncertain Significance.

NM_001354483.2(CSGALNACT1):c.599A>G (p.Asn200Ser)

Gene: CSGALNACT1 (chondroitin sulfate N-acetylgalactosaminyltransferase 1; minus strand). Cytogenetic location: 8p21.3.
Variant type: single nucleotide variant.
Coding change: c.599A>G on transcript NM_001354483.2 (MANE Select); coding-DNA position 599, A replaced by G.
Protein change: p.Asn200Ser; replaces asparagine 200 with serine.
Molecular consequence: missense variant. On other transcripts: non-coding transcript variant (7).
Genome position (GRCh38, 1-based): chr8:19,505,236, T>C on the plus strand (A>G on the coding strand, the complement: CSGALNACT1 is on the minus strand). VCF-style: chr8-19505236-T-C. GRCh37 (hg19) VCF-style: chr8-19362747-T-C.
Other names: c.599A>G, p.Asn200Ser (NM_001130518.2, NM_001354475.2, NM_001354476.2 and 18 more transcripts); short protein forms N200S.
Identifiers: ClinVar variation 1491814 (VCV001491814.6), dbSNP rs550326790, ClinGen allele CA4654205.